The following is an entry in ClinVar:

ClinVar aggregate classification (germline): Pathogenic (1 of 4 stars; one submission).

Submission:

Labcorp Genetics (formerly Invitae), Labcorp
Classification: Pathogenic. Last evaluated: 2022-06-27. Review status: criteria provided, single submitter. Criteria: Invitae Variant Classification Sherloc (09022015). Collection method: clinical testing. Allele origin: germline.
Comment: This sequence change creates a premature translational stop signal (p.Lys4020Argfs*45) in the ANK3 gene. It is expected to result in an absent or disrupted protein product. Loss-of-function variants in ANK3 are known to be pathogenic (PMID: 23390136, 29302074). This variant is not present in population databases (gnomAD no frequency). This variant has not been reported in the literature in individuals affected with ANK3-related conditions. For these reasons, this variant has been classified as Pathogenic.

Literature cited by the submitters: PubMed 23390136; PubMed 29302074.

NM_020987.5(ANK3):c.12059del (p.Lys4020fs)

Gene: ANK3 (ankyrin 3; minus strand). Cytogenetic location: 10q21.2.
Variant type: Deletion.
Coding change: c.12059del on transcript NM_020987.5 (MANE Select); coding-DNA position 12059, one base deleted (A; older notation c.12059delA).
Protein change: p.Lys4020fs; shifts the reading frame from lysine 4020.
Molecular consequence: frameshift variant. On other transcripts: intron variant (4).
Genome position (GRCh38, 1-based): chr10:60,068,822, T deleted on the plus strand (A on the coding strand, the reverse complement: ANK3 is on the minus strand); the first of 7 consecutive T bases (chr10:60,068,822-60,068,828); deleting any one gives the same sequence. VCF-style (leftmost placement, unchanged base first): chr10-60068821-CT-C. GRCh37 (hg19) VCF-style: chr10-61828579-CT-C.
Other names: c.4388-813del (NM_001204403.2); c.4409-813del (NM_001204404.2); c.4406-813del (NM_001320874.2); c.1808-813del (NM_001149.4); short protein forms K4020fs.
Identifiers: ClinVar variation 2065855 (VCV002065855.1), dbSNP rs2082124375, ClinGen allele CA469990367.